The following is an entry in ClinVar:

NM_000900.5(MGP):c.235T>C (p.Cys79Arg)

Gene: MGP (matrix Gla protein; minus strand). Cytogenetic location: 12p12.3.
Variant type: single nucleotide variant.
Coding change: c.235T>C on transcript NM_000900.5 (MANE Select); coding-DNA position 235, T replaced by C.
Protein change: p.Cys79Arg; replaces cysteine 79 with arginine.
Molecular consequence: missense variant.
Genome position (GRCh38, 1-based): chr12:14,882,216, A>G on the plus strand (T>C on the coding strand, the complement: MGP is on the minus strand). VCF-style: chr12-14882216-A-G. GRCh37 (hg19) VCF-style: chr12-15035150-A-G.
Other names: c.310T>C, p.Cys104Arg (NM_001190839.3); short protein forms C104R, C79R.
Identifiers: ClinVar variation 3681886 (VCV003681886.2).

ClinVar aggregate classification (germline): Uncertain significance (1 of 4 stars; one submission).

gnomAD v4.1: 5 of 1,614,084 alleles (0.00031%); highest among the groups gnomAD compares: Non-Finnish European, 0.00042%; no homozygotes.

Submission:

Labcorp Genetics (formerly Invitae), Labcorp
Classification: Uncertain significance. Last evaluated: 2025-11-03. Review status: criteria provided, single submitter. Criteria: Invitae Variant Classification Sherloc (09022015). Collection method: clinical testing. Allele origin: germline.
Comment: This sequence change replaces cysteine, which is neutral and slightly polar, with arginine, which is basic and polar, at codon 79 of the MGP protein (p.Cys79Arg). This variant is not present in population databases (gnomAD no frequency). This variant has not been reported in the literature in individuals affected with MGP-related conditions. ClinVar contains an entry for this variant (Variation ID: 3681886). An algorithm developed to predict the effect of missense changes on protein structure and function (PolyPhen-2) suggests that this variant is likely to be disruptive. In summary, the available evidence is currently insufficient to determine the role of this variant in disease. Therefore, it has been classified as a Variant of Uncertain Significance.